The following is an entry in ClinVar:

NM_001376.5(DYNC1H1):c.10041C>A (p.Phe3347Leu)

Gene: DYNC1H1 (dynein cytoplasmic 1 heavy chain 1; plus strand). Cytogenetic location: 14q32.31.
Variant type: single nucleotide variant.
Coding change: c.10041C>A on transcript NM_001376.5 (MANE Select); coding-DNA position 10041, C replaced by A.
Protein change: p.Phe3347Leu; replaces phenylalanine 3347 with leucine.
Molecular consequence: missense variant.
Genome position (GRCh38, 1-based): chr14:102,032,429, C>A. VCF-style: chr14-102032429-C-A. GRCh37 (hg19) VCF-style: chr14-102498766-C-A.
Other names: short protein forms F3347L.
Identifiers: ClinVar variation 2110552 (VCV002110552.4), dbSNP rs2503819905, ClinGen allele CA391021051.

ClinVar aggregate classification (germline): Uncertain significance (1 of 4 stars; one submission).

Conditions:
Charcot-Marie-Tooth disease axonal type 2O. Also called: CHARCOT-MARIE-TOOTH NEUROPATHY, AXONAL, TYPE 2O; CHARCOT-MARIE-TOOTH DISEASE, AXONAL, AUTOSOMAL DOMINANT, TYPE 2O; Charcot-Marie-Tooth Neuropathy Type 2O; Charcot-Marie-Tooth disease, axonal, type 20. Identifiers: Orphanet 284232, MedGen C3280220, MONDO:0013644, OMIM 614228.

Submission:

Labcorp Genetics (formerly Invitae), Labcorp
Classification: Uncertain significance for Charcot-Marie-Tooth disease axonal type 2O. Last evaluated: 2022-03-13. Review status: criteria provided, single submitter. Criteria: Invitae Variant Classification Sherloc (09022015). Collection method: clinical testing. Allele origin: germline.
Comment: In summary, the available evidence is currently insufficient to determine the role of this variant in disease. Therefore, it has been classified as a Variant of Uncertain Significance. Advanced modeling of protein sequence and biophysical properties (such as structural, functional, and spatial information, amino acid conservation, physicochemical variation, residue mobility, and thermodynamic stability) performed at Invitae indicates that this missense variant is expected to disrupt DYNC1H1 protein function. This variant has not been reported in the literature in individuals affected with DYNC1H1-related conditions. This variant is not present in population databases (gnomAD no frequency). This sequence change replaces phenylalanine, which is neutral and non-polar, with leucine, which is neutral and non-polar, at codon 3347 of the DYNC1H1 protein (p.Phe3347Leu).